The following is an entry in ClinVar:

NM_002691.4(POLD1):c.1175T>C (p.Val392Ala)

Gene: POLD1 (DNA polymerase delta 1, catalytic subunit; plus strand). Cytogenetic location: 19q13.33.
Variant type: single nucleotide variant.
Coding change: c.1175T>C on transcript NM_002691.4 (MANE Select); coding-DNA position 1175, T replaced by C.
Protein change: p.Val392Ala; replaces valine 392 with alanine.
Molecular consequence: missense variant. On other transcripts: non-coding transcript variant (1).
Genome position (GRCh38, 1-based): chr19:50,403,530, T>C. VCF-style: chr19-50403530-T-C. GRCh37 (hg19) VCF-style: chr19-50906787-T-C.
Other names: c.1175T>C, p.Val392Ala (NM_001256849.1, NM_001308632.1); short protein forms V392A.
Identifiers: ClinVar variation 1740587 (VCV001740587.3), dbSNP rs2513977020, ClinGen allele CA406978505.

ClinVar aggregate classification (germline): Uncertain significance. Review status: criteria provided, multiple submitters, no conflicts (2 of 4 stars). 2 submissions from 2 submitters: Uncertain significance (2). Last evaluated 2025-11-03.

Conditions:
Hereditary cancer-predisposing syndrome. Also called: Neoplastic Syndromes, Hereditary; Tumor predisposition; Hereditary neoplastic syndrome; Hereditary Cancer Syndrome. Identifiers: Orphanet 140162, MedGen C0027672, MeSH D009386, MONDO:0015356.
POLD1-related polyposis and colorectal cancer syndrome (CRCS10). Also called: COLORECTAL CANCER, SUSCEPTIBILITY TO, ON CHROMOSOME 19q; Colorectal cancer 10; Colorectal cancer, susceptibility to, 10. Identifiers: Orphanet 220460, MedGen C2675481, MONDO:0012953, OMIM 612591.

Submissions (2):

Labcorp Genetics (formerly Invitae), Labcorp
Classification: Uncertain significance for POLD1-related polyposis and colorectal cancer syndrome. Last evaluated: 2025-11-03. Review status: criteria provided, single submitter. Criteria: Invitae Variant Classification Sherloc (09022015). Collection method: clinical testing. Allele origin: germline.
Comment: This sequence change replaces valine, which is neutral and non-polar, with alanine, which is neutral and non-polar, at codon 392 of the POLD1 protein (p.Val392Ala). This variant is not present in population databases (gnomAD no frequency). This variant has not been reported in the literature in individuals affected with POLD1-related conditions. ClinVar contains an entry for this variant (Variation ID: 1740587). Invitae Evidence Modeling of protein sequence and biophysical properties (such as structural, functional, and spatial information, amino acid conservation, physicochemical variation, residue mobility, and thermodynamic stability) indicates that this missense variant is not expected to disrupt POLD1 protein function with a negative predictive value of 80%. In summary, the available evidence is currently insufficient to determine the role of this variant in disease. Therefore, it has been classified as a Variant of Uncertain Significance.

Ambry Genetics
Classification: Uncertain significance for Hereditary cancer-predisposing syndrome. Last evaluated: 2022-05-18. Review status: criteria provided, single submitter. Criteria: Ambry Variant Classification Scheme 2023. Collection method: clinical testing. Allele origin: germline.
Comment: The p.V392A variant (also known as c.1175T>C), located in coding exon 9 of the POLD1 gene, results from a T to C substitution at nucleotide position 1175. The valine at codon 392 is replaced by alanine, an amino acid with similar properties. This amino acid position is conserved. In addition, this alteration is predicted to be tolerated by in silico analysis. Since supporting evidence is limited at this time, the clinical significance of this alteration remains unclear.